The following is an entry in ClinVar:

NM_000051.4(ATM):c.7963A>G (p.Lys2655Glu)

Genes: ATM (ATM serine/threonine kinase; plus strand), C11orf65 (chromosome 11 open reading frame 65; minus strand). Cytogenetic location: 11q22.3.
Variant type: single nucleotide variant.
Coding change: c.7963A>G on transcript NM_000051.4 (MANE Select); coding-DNA position 7963, A replaced by G.
Protein change: p.Lys2655Glu; replaces lysine 2655 with glutamic acid.
Molecular consequence: missense variant. On other transcripts: intron variant (2).
Genome position (GRCh38, 1-based): chr11:108,333,921, A>G. VCF-style: chr11-108333921-A-G. GRCh37 (hg19) VCF-style: chr11-108204648-A-G.
Other names: c.7963A>G, p.Lys2655Glu (NM_001351834.2); c.641-24850T>C (NM_001330368.2); c.*38+1299T>C (NM_001351110.2); short protein forms K2655E.
Identifiers: ClinVar variation 2889210 (VCV002889210.3), dbSNP rs1289658632, ClinGen allele CA382561718.

ClinVar aggregate classification (germline): Uncertain significance (1 of 4 stars; one submission).

Conditions:
Ataxia-telangiectasia syndrome (AT). Also called: ATAXIA-TELANGIECTASIA, COMPLEMENTATION GROUP A; ATAXIA-TELANGIECTASIA, FRESNO VARIANT; Ataxia-telangiectasia; Ataxia-telangiectasia, complementation group E; LOUIS-BAR SYNDROME; Cerebello-oculocutaneous telangiectasia. Identifiers: Orphanet 100, MedGen C0004135, MONDO:0008840, OMIM 208900.

Allele frequency attached by ClinVar (database versions not stated): TOPMed 0.00001.

Submission:

Labcorp Genetics (formerly Invitae), Labcorp
Classification: Uncertain significance for Ataxia-telangiectasia syndrome. Last evaluated: 2024-07-01. Review status: criteria provided, single submitter. Criteria: Invitae Variant Classification Sherloc (09022015). Collection method: clinical testing. Allele origin: germline.
Comment: This sequence change replaces lysine, which is basic and polar, with glutamic acid, which is acidic and polar, at codon 2655 of the ATM protein (p.Lys2655Glu). This variant is not present in population databases (gnomAD no frequency). This variant has not been reported in the literature in individuals affected with ATM-related conditions. An algorithm developed to predict the effect of missense changes on protein structure and function (PolyPhen-2) suggests that this variant is likely to be tolerated. In summary, the available evidence is currently insufficient to determine the role of this variant in disease. Therefore, it has been classified as a Variant of Uncertain Significance.